The following is an entry in ClinVar:

ClinVar aggregate classification (germline): Conflicting classifications of pathogenicity. Review status: criteria provided, conflicting classifications (1 of 4 stars). 7 submissions from 7 submitters: Uncertain significance (2); Benign (1); Likely benign (4). Last evaluated 2026-06-04.

Conditions:
Hereditary cancer-predisposing syndrome. Also called: Neoplastic Syndromes, Hereditary; Tumor predisposition; Hereditary Cancer Syndrome; Hereditary neoplastic syndrome. Identifiers: Orphanet 140162, MedGen C0027672, MeSH D009386, MONDO:0015356.
FH-related disorder. Also called: FH-related disorders; FH-related condition.
Hereditary leiomyomatosis and renal cell cancer. Also called: Familial leiomyomatosis; FH tumor predisposition syndrome; MULTIPLE CUTANEOUS AND UTERINE LEIOMYOMATA 1, WITH OR WITHOUT RENAL CELL CARCINOMA; Reed syndrome; Multiple cutaneous and uterine leiomyomatosis; Cutaneous leiomyomata with uterine leiomyomata. Identifiers: Orphanet 523, MedGen C1708350, MONDO:0007888, OMIM 150800, HP:0007437. Disease mechanism: loss of function.

Allele frequency attached by ClinVar (database versions not stated): gnomAD exomes 0.00001 and 0.00002; ExAC 0.00002; gnomAD 0.00002 and 0.00001; TOPMed 0.00004.
gnomAD v4.1: 25 of 1,613,922 alleles (0.0015%); highest among the groups gnomAD compares: Admixed American, 0.005%; no homozygotes.

Submissions (7):

PreventionGenetics, part of Exact Sciences
Classification: Likely benign for FH-related condition. Last evaluated: 2026-06-04. Review status: criteria provided, single submitter. Criteria: ACMG Guidelines, 2015. Collection method: clinical testing. Allele origin: germline.
Comment: This variant is classified as likely benign based on ACMG/AMP sequence variant interpretation guidelines (Richards et al. 2015 PMID: 25741868, with internal and published modifications).

Labcorp Genetics (formerly Invitae), Labcorp
Classification: Likely benign. Last evaluated: 2026-01-21. Review status: criteria provided, single submitter. Criteria: Invitae Variant Classification Sherloc (09022015). Collection method: clinical testing. Allele origin: germline.

Quest Diagnostics Nichols Institute San Juan Capistrano
Classification: Uncertain significance. Last evaluated: 2025-10-07. Review status: criteria provided, single submitter. Criteria: Quest Diagnostics criteria. Collection method: clinical testing. Allele origin: unknown.
Comment: The FH c.178C>T (p.Leu60=) synonymous variant has not been reported in individuals with FH-related conditions in the published literature. The frequency of this variant in the general population (Genome Aggregation Database) is uninformative in the assessment of its pathogenicity. Analysis of this variant using software algorithms for the prediction of the effect of nucleotide changes on splicing yielded predictions that this variant does not affect FH mRNA splicing. Based on the available information, we are unable to determine the clinical significance of this variant.

Center for Genomic Medicine, Rigshospitalet, Copenhagen University Hospital
Classification: Likely benign. Last evaluated: 2025-03-04. Review status: criteria provided, single submitter. Criteria: ACMG Guidelines, 2015. Collection method: clinical testing. Allele origin: germline.

GeneDx
Classification: Uncertain significance. Last evaluated: 2024-12-30. Review status: criteria provided, single submitter. Criteria: GeneDx Variant Classification Process June 2021. Collection method: clinical testing. Allele origin: germline. Affected: yes.
Comment: Not observed at significant frequency in large population cohorts (gnomAD); In silico analysis indicates that this variant does not alter splicing; Has not been previously published as pathogenic or benign to our knowledge

Myriad Genetics, Inc.
Classification: Benign for Hereditary leiomyomatosis and renal cell cancer. Last evaluated: 2024-10-17. Review status: criteria provided, single submitter. Criteria: Myriad Autosomal Dominant, Autosomal Recessive and X-Linked Classification Criteria (2023). Collection method: clinical testing. Allele origin: unknown.
Comment: This variant is considered benign. This variant is a silent/synonymous amino acid change and it is not expected to impact splicing.

Ambry Genetics
Classification: Likely benign for Hereditary cancer-predisposing syndrome. Last evaluated: 2020-06-24. Review status: criteria provided, single submitter. Criteria: Ambry Variant Classification Scheme 2023. Collection method: clinical testing. Allele origin: germline.

NM_000143.4(FH):c.178C>T (p.Leu60=)

Gene: FH (fumarate hydratase; minus strand). Cytogenetic location: 1q43.
Variant type: single nucleotide variant.
Coding change: c.178C>T on transcript NM_000143.4 (MANE Select); coding-DNA position 178, C replaced by T.
Protein change: p.Leu60=; no amino-acid change (leucine 60 retained).
Molecular consequence: synonymous variant.
Genome position (GRCh38, 1-based): chr1:241,517,271, G>A on the plus strand (C>T on the coding strand, the complement: FH is on the minus strand). VCF-style: chr1-241517271-G-A. GRCh37 (hg19) VCF-style: chr1-241680571-G-A.
Identifiers: ClinVar variation 700105 (VCV000700105.17), dbSNP rs201146499, ClinGen allele CA1478754.